The following is an entry in ClinVar:

NM_001371189.2(UNC13B):c.804_806del (p.Lys269del)

Gene: UNC13B (unc-13 homolog B; plus strand). Cytogenetic location: 9p13.3.
Variant type: Deletion.
Coding change: c.804_806del on transcript NM_001371189.2 (MANE Select); coding-DNA positions 804 to 806, 3 bases deleted (GAA; older notation c.804_806delGAA).
Protein change: p.Lys269del; deletes lysine 269.
Molecular consequence: intron variant (on NM_001387551.1).
Genome position (GRCh38, 1-based): chr9:35,300,208-35,300,210, GAA deleted; deleting any 3 consecutive bases within chr9:35,300,206-35,300,210 gives the same sequence; the c. name uses the placement nearest the transcript's 3' end. VCF-style (leftmost placement, unchanged base first): chr9-35300205-AAAG-A. GRCh37 (hg19) VCF-style: chr9-35300202-AAAG-A.
Other names: c.797+4278_797+4280del (NM_001387551.1); c.761+4278_761+4280del (NM_001330653.3, NM_006377.6, NM_001371186.2); c.614+4278_614+4280del (NM_001387553.1, NM_001387554.1); short protein forms K269del.
Identifiers: ClinVar variation 3777915 (VCV003777915.7).

ClinVar aggregate classification (germline): Benign (1 of 4 stars; one submission).

Submission:

CeGaT Center for Human Genetics Tuebingen
Classification: Benign. Last evaluated: 2025-03-01. Review status: criteria provided, single submitter. Criteria: CeGaT Center For Human Genetics Tuebingen Variant Classification Criteria Version 2. Collection method: clinical testing. Allele origin: germline. Affected: yes. Observed: 1 variant allele.
Comment: UNC13B: PM4:Supporting, BS1, BS2